The following is an entry in ClinVar:

NM_001267550.2(TTN):c.79127C>A (p.Ala26376Glu)

Genes: TTN (titin; minus strand), TTN-AS1 (TTN antisense RNA 1; plus strand). Cytogenetic location: 2q31.2.
Variant type: single nucleotide variant.
Coding change: c.79127C>A on transcript NM_001267550.2 (MANE Select); coding-DNA position 79127, C replaced by A.
Protein change: p.Ala26376Glu; replaces alanine 26376 with glutamic acid.
Molecular consequence: missense variant.
Genome position (GRCh38, 1-based): chr2:178,567,005, G>T on the plus strand (C>A on the coding strand, the complement: TTN is on the minus strand). VCF-style: chr2-178567005-G-T. GRCh37 (hg19) VCF-style: chr2-179431732-G-T.
Other names: c.74204C>A, p.Ala24735Glu (NM_001256850.1); c.51932C>A, p.Ala17311Glu (NM_003319.4); c.52307C>A, p.Ala17436Glu (NM_133432.3); c.52508C>A, p.Ala17503Glu (NM_133437.4); c.71423C>A, p.Ala23808Glu (NM_133378.4); short protein forms A26376E, A23808E, A17311E, A17436E, A17503E, A24735E.
Identifiers: ClinVar variation 47371 (VCV000047371.5), dbSNP rs397517714, ClinGen allele CA140824.

ClinVar aggregate classification (germline): Uncertain significance (1 of 4 stars; one submission).

Allele frequency attached by ClinVar (database versions not stated): TOPMed below 0.00001; gnomAD 0.00001.
gnomAD v4.1: 2 of 1,613,458 alleles (0.00012%); highest among the groups gnomAD compares: Non-Finnish European, 0.00017%; no homozygotes.

Submission:

Laboratory for Molecular Medicine, Mass General Brigham Personalized Medicine
Classification: Uncertain significance. Last evaluated: 2012-08-27. Review status: criteria provided, single submitter. Criteria: LMM Criteria. Collection method: clinical testing. Allele origin: germline. Observed: 1 variant allele.
Comment: The Ala23808Glu variant in TTN has not been reported in the literature nor previ ously identified by our laboratory. Computational analyses (biochemical amino ac id properties, conservation, PolyPhen2, and SIFT) do not provide strong support for or against an impact to the protein. Additional information is needed to ful ly assess the clinical significance of this variant.